The following is an entry in ClinVar:

ClinVar aggregate classification (germline): Pathogenic. Review status: criteria provided, multiple submitters, no conflicts (2 of 4 stars). 2 submissions from 2 submitters: Pathogenic (2). Last evaluated 2025-04-18.

Conditions:
Hereditary cancer-predisposing syndrome. Also called: Neoplastic Syndromes, Hereditary; Tumor predisposition; Hereditary neoplastic syndrome; Hereditary Cancer Syndrome. Identifiers: Orphanet 140162, MedGen C0027672, MeSH D009386, MONDO:0015356.
Cardiovascular phenotype. Identifiers: MedGen CN230736.

Submissions (2):

Labcorp Genetics (formerly Invitae), Labcorp
Classification: Pathogenic. Last evaluated: 2025-04-18. Review status: criteria provided, single submitter. Criteria: Invitae Variant Classification Sherloc (09022015). Collection method: clinical testing. Allele origin: germline.
Comment: This sequence change creates a premature translational stop signal (p.Lys156Leufs*43) in the LZTR1 gene. It is expected to result in an absent or disrupted protein product. Loss-of-function variants in LZTR1 are known to be pathogenic (PMID: 24362817, 25335493, 25480913, 25795793, 29469822, 30368668, 30442762, 30442766, 30481304, 30859559). This variant is not present in population databases (gnomAD no frequency). This variant has not been reported in the literature in individuals affected with LZTR1-related conditions. ClinVar contains an entry for this variant (Variation ID: 3013358). For these reasons, this variant has been classified as Pathogenic.

Ambry Genetics
Classification: Pathogenic for Cardiovascular phenotype; Hereditary cancer-predisposing syndrome. Last evaluated: 2023-12-08. Review status: criteria provided, single submitter. Criteria: Ambry Variant Classification Scheme 2023. Collection method: clinical testing. Allele origin: germline.
Comment: The c.466_469delAAGT pathogenic mutation, located in coding exon 5 of the LZTR1 gene, results from a deletion of 4 nucleotides at nucleotide positions 466 to 469, causing a translational frameshift with a predicted alternate stop codon (p.K156Lfs*43). This alteration is expected to result in loss of function by premature protein truncation or nonsense-mediated mRNA decay. Loss-of-function variants in LZTR1 are related to an increased risk for schwannomas and autosomal recessive Noonan syndrome; however, such associations with autosomal dominant Noonan syndrome have not been observed (Piotrowski A et al. Nat Genet. 2014 Feb;46:182-7; Yamamoto GL et al. J Med Genet. 2015 Jun;52:413-21; Johnston JJ et al. Genet Med. 2018 10;20:1175-1185). Based on the supporting evidence, this variant is pathogenic for an increased risk of LZTR1-related schwannomatosis (SWN) and would be expected to cause autosomal recessive Noonan syndrome when present along with a second pathogenic or likely pathogenic variant on the other allele; however, the association of this alteration with autosomal dominant Noonan syndrome is unlikely.

Literature cited by the submitters: PubMed 24362817 (cited by Labcorp Genetics (formerly Invitae), Labcorp); PubMed 25335493 (cited by Labcorp Genetics (formerly Invitae), Labcorp); PubMed 25480913 (cited by Labcorp Genetics (formerly Invitae), Labcorp); PubMed 25795793 (cited by Labcorp Genetics (formerly Invitae), Labcorp); PubMed 29469822 (cited by Labcorp Genetics (formerly Invitae), Labcorp); PubMed 30368668 (cited by Labcorp Genetics (formerly Invitae), Labcorp); PubMed 30442762 (cited by Labcorp Genetics (formerly Invitae), Labcorp); PubMed 30442766 (cited by Labcorp Genetics (formerly Invitae), Labcorp); PubMed 30481304 (cited by Labcorp Genetics (formerly Invitae), Labcorp); PubMed 30859559 (cited by Labcorp Genetics (formerly Invitae), Labcorp).

NM_006767.4(LZTR1):c.466_469del (p.Lys156fs)

Gene: LZTR1 (leucine zipper like post translational regulator 1; plus strand). Cytogenetic location: 22q11.21.
Variant type: Deletion.
Coding change: c.466_469del on transcript NM_006767.4 (MANE Select); coding-DNA positions 466 to 469, 4 bases deleted (AAGT; older notation c.466_469delAAGT).
Protein change: p.Lys156fs; shifts the reading frame from lysine 156.
Molecular consequence: frameshift variant.
Genome position (GRCh38, 1-based): chr22:20,988,075-20,988,078, AAGT deleted. VCF-style (leftmost placement, unchanged base first): chr22-20988074-CAAGT-C. GRCh37 (hg19) VCF-style: chr22-21342363-CAAGT-C.
Other names: c.466_469delAAGT (NM_006767.3); short protein forms K156fs.
Identifiers: ClinVar variation 3013358 (VCV003013358.4), dbSNP rs2518613315, ClinGen allele CA2740094788.